The following is an entry in ClinVar:

ClinVar aggregate classification (germline): Uncertain significance (1 of 4 stars; one submission).

Allele frequency attached by ClinVar (database versions not stated): TOPMed below 0.00001.

Submission:

GeneDx
Classification: Uncertain significance. Last evaluated: 2019-04-24. Review status: criteria provided, single submitter. Criteria: GeneDx Variant Classification Process June 2021. Collection method: clinical testing. Allele origin: germline. Affected: yes.
Comment: Not observed in large population cohorts (Lek et al., 2016); Missense variant in a gene in which most reported pathogenic variants are truncating/loss-of-function; Has not been previously published as pathogenic or benign to our knowledge

NM_001267550.2(TTN):c.25661A>C (p.Lys8554Thr)

Gene: TTN (titin; minus strand). Cytogenetic location: 2q31.2.
Variant type: single nucleotide variant.
Coding change: c.25661A>C on transcript NM_001267550.2 (MANE Select); coding-DNA position 25661, A replaced by C.
Protein change: p.Lys8554Thr; replaces lysine 8554 with threonine.
Molecular consequence: missense variant. On other transcripts: intron variant (3).
Genome position (GRCh38, 1-based): chr2:178,715,753, T>G on the plus strand (A>C on the coding strand, the complement: TTN is on the minus strand). VCF-style: chr2-178715753-T-G. GRCh37 (hg19) VCF-style: chr2-179580480-T-G.
Other names: c.24710A>C, p.Lys8237Thr (NM_001256850.1); c.21929A>C, p.Lys7310Thr (NM_133378.4); c.13282+22329A>C (NM_003319.4); c.13858+22329A>C (NM_133437.4); c.13657+22329A>C (NM_133432.3); short protein forms K7310T, K8237T, K8554T.
Identifiers: ClinVar variation 1305348 (VCV001305348.2), dbSNP rs2077384172, ClinGen allele CA349480718.